The following is an entry in ClinVar:

ClinVar aggregate classification (germline): Conflicting classifications of pathogenicity. Review status: criteria provided, conflicting classifications (1 of 4 stars). 4 submissions from 4 submitters: Uncertain significance (3); Likely benign (1). Last evaluated 2026-04-20.

Conditions:
Bethlem myopathy 1A. Also called: MYOPATHY, BENIGN CONGENITAL, WITH CONTRACTURES; Bethlem Muscular Dystrophy; Bethlem myopathy 1. Identifiers: Orphanet 610, MedGen CN029274, MONDO:0024530, OMIM 158810.

Allele frequency attached by ClinVar (database versions not stated): gnomAD 0.00001; TOPMed 0.00006; gnomAD exomes 0.00013 and 0.00006; ExAC 0.00008.
gnomAD v4.1: 36 of 1,611,412 alleles (0.0022%); highest among the groups gnomAD compares: Admixed American, 0.06%; no homozygotes.

Submissions (4):

GeneDx
Classification: Uncertain significance. Last evaluated: 2026-04-20. Review status: criteria provided, single submitter. Criteria: GeneDx Variant Classification Process June 2021. Collection method: clinical testing. Allele origin: germline.
Comment: In silico analysis supports that this missense variant has a deleterious effect on protein structure/function; Has not been previously published as pathogenic or benign to our knowledge

Labcorp Genetics (formerly Invitae), Labcorp
Classification: Likely benign for Bethlem myopathy 1A. Last evaluated: 2025-11-24. Review status: criteria provided, single submitter. Criteria: Invitae Variant Classification Sherloc (09022015). Collection method: clinical testing. Allele origin: germline.

Revvity Omics, Revvity
Classification: Uncertain significance. Last evaluated: 2019-10-30. Review status: criteria provided, single submitter. Criteria: ACMG Guidelines, 2015. Collection method: clinical testing. Allele origin: germline.

Eurofins Ntd Llc (ga)
Classification: Uncertain significance. Last evaluated: 2018-07-12. Review status: criteria provided, single submitter. Criteria: EGL ClinVar v180209 classification definitions. Collection method: clinical testing. Allele origin: germline. Observed: 1 variant allele, 1 heterozygote.

NM_001848.3(COL6A1):c.1451C>T (p.Pro484Leu)

Gene: COL6A1 (collagen type VI alpha 1 chain; plus strand). Cytogenetic location: 21q22.3.
Variant type: single nucleotide variant.
Coding change: c.1451C>T on transcript NM_001848.3 (MANE Select); coding-DNA position 1451, C replaced by T.
Protein change: p.Pro484Leu; replaces proline 484 with leucine.
Molecular consequence: missense variant.
Genome position (GRCh38, 1-based): chr21:45,997,473, C>T. VCF-style: chr21-45997473-C-T. GRCh37 (hg19) VCF-style: chr21-47417387-C-T.
Other names: c.1451C>T (NM_001848.2); short protein forms P484L.
Identifiers: ClinVar variation 598000 (VCV000598000.16), dbSNP rs779748438, ClinGen allele CA10070307.
Genomic context (GRCh38, chr21:45,997,473, plus strand): 5'-CTCTACAGGGCGAGGCTGGCCCTATCGGACCTAAAGGCTACCGAGGCGATGAGGGTCCCC[C>T]AGGGTCCGAGGTGAGTCCCACTCCCCACCCACACCCGCCCACCCAGGGGGGCCTGAGGAT-3'
Protein context (NP_001839.2, residues 474-494): PKGYRGDEGP[Pro484Leu]GSEGARGAPG